The following is an entry in ClinVar:

NM_177438.3(DICER1):c.4557AGA[1] (p.Glu1520del)

Gene: DICER1 (dicer 1, ribonuclease III; minus strand). Cytogenetic location: 14q32.13.
Variant type: Microsatellite.
Coding change: c.4557AGA[1] on transcript NM_177438.3 (MANE Select); one copy of the 3-base unit AGA starting at c.4557; the reference has two copies in a row; one copy, 3 bases deleted; also written c.4560_4562del.
Protein change: p.Glu1520del; deletes glutamic acid 1520.
Molecular consequence: inframe deletion. On other transcripts: non-coding transcript variant (6).
Genome position (GRCh38, 1-based): chr14:95,096,358-95,096,360, TCT deleted on the plus strand (AGA on the coding strand, the reverse complement: DICER1 is on the minus strand); deleting any 3 consecutive bases within chr14:95,096,358-95,096,365 gives the same sequence; the position shown is the placement nearest the transcript's 3' end. VCF-style (leftmost placement, unchanged base first): chr14-95096357-ATCT-A. GRCh37 (hg19) VCF-style: chr14-95562694-ATCT-A.
Other names: NM_177438.3(DICER1):c.4557AGA[1]; p.Glu1520del; c.4152AGA[1], p.Glu1385del (NM_001395689.1, NM_001395690.1, NM_001395696.1 and 2 more transcripts); c.3990AGA[1], p.Glu1331del (NM_001395691.1); c.4557AGA[1], p.Glu1520del (NM_001395692.1, NM_001395693.1, NM_001395694.1 and 12 more transcripts); c.2874AGA[1], p.Glu959del (NM_001395697.1); c.4275AGA[1], p.Glu1426del (NM_001395686.1); c.4560_4562del (NM_177438.3); short protein forms E1331del, E1385del, E1426del, E1520del, E959del.
Identifiers: ClinVar variation 3393370 (VCV003393370.4).

ClinVar aggregate classification (germline): Uncertain significance. Review status: reviewed by expert panel (3 of 4 stars). 3 submissions from 3 submitters: Uncertain significance (1). 2 of the submissions do not count toward it. Last evaluated 2025-10-28.

Conditions:
Hereditary cancer-predisposing syndrome. Also called: Hereditary Cancer Syndrome; Hereditary neoplastic syndrome; Neoplastic Syndromes, Hereditary; Tumor predisposition. Identifiers: Orphanet 140162, MedGen C0027672, MeSH D009386, MONDO:0015356.
DICER1-related tumor predisposition. Also called: DICER1-related pleuropulmonary blastoma cancer predisposition syndrome; DICER1 syndrome. Identifiers: Orphanet 284343, MedGen C3839822, MONDO:0100216.

Submissions (3):

ClinGen DICER1 and miRNA-Processing Gene Variant Curation Expert Panel, ClinGen
Classification: Uncertain significance for DICER1-related tumor predisposition. Last evaluated: 2025-10-28. Review status: reviewed by expert panel. Criteria: ClinGen DICER1 ACMG Specifications DICER1 V1.4.0. Collection method: curation. Allele origin: germline. Inheritance: Autosomal dominant inheritance.
Comment: The NM_177438.2:c.4560_4562del variant is predicted to cause a change in the length of the protein (p.Glu1520del) due to an in-frame deletion of 1 amino acid in a non-repeat region outside of the RNase IIIb domain (PM4_Supporting). Although this variant has been observed in individuals undergoing genetic sequencing, to our knowledge, this variant has not been reported in individuals with phenotypes of DICER1-related tumor predisposition warranting points application (PS4 not met; PMIDs: 39976125, Internal lab contributors). At least one patient with this variant was found to have a somatic second hit in a recognized DICER1 hotspot codon on tumor sequencing, which is highly specific for DICER1-related tumor predisposition (PP4, PMIDs: 39976125). This variant is absent from gnomAD v4.1.0 (PM2_Supporting). Functional data supporting impaired function of the mutant protein has been published; however, the assays reported are not supported under the current DICER1 VCEP v1.4 variant classification criteria specifications (PS3 not met; PMID: 39976125). In summary, this variant meets the criteria to be classified as Uncertain Significance for DICER1-related tumor predisposition based on the ACMG/AMP criteria applied, as specified by the ClinGen DICER1 VCEP: PM4_Supporting, PP4, PM2_Supporting. (Bayesian Points: 3; VCEP specifications version 1.4.0; 10/28/2025)

Hereditary Cancer Group, L’Institut d'Investigació Biomèdica de Bellvitge
Classification: Uncertain significance for Hereditary cancer-predisposing syndrome. Last evaluated: 2024-12-19. Review status: criteria provided, single submitter. Criteria: Hatton et al. (Hum Mutat. 2023). Collection method: clinical testing. Allele origin: germline. Inheritance: Autosomal dominant inheritance. Affected: yes. Not counted in ClinVar's aggregate classification.
Comment: PM2_supporting, PM4_supporting

Labcorp Genetics (formerly Invitae), Labcorp
Classification: Uncertain significance for DICER1-related tumor predisposition. Last evaluated: 2024-03-12. Review status: criteria provided, single submitter. Criteria: Invitae Variant Classification Sherloc (09022015). Collection method: clinical testing. Allele origin: germline. Not counted in ClinVar's aggregate classification.
Comment: This variant, c.4560_4562del, results in the deletion of 1 amino acid(s) of the DICER1 protein (p.Glu1520del), but otherwise preserves the integrity of the reading frame. This variant is not present in population databases (gnomAD no frequency). This variant has not been reported in the literature in individuals affected with DICER1-related conditions. Experimental studies and prediction algorithms are not available or were not evaluated, and the functional significance of this variant is currently unknown. In summary, the available evidence is currently insufficient to determine the role of this variant in disease. Therefore, it has been classified as a Variant of Uncertain Significance.